The following is an entry in ClinVar:

ClinVar aggregate classification (germline): Pathogenic (1 of 4 stars; one submission).

Conditions:
Multiple congenital exostosis (EXT). Also called: Hereditary multiple exostoses; Hereditary multiple exostosis; MULTIPLE CARTILAGINOUS EXOSTOSES; Multiple exostoses; Multiple osteochondromas; Hereditary multiple osteochondromas. Identifiers: Orphanet 321, MedGen C0015306, MONDO:0005508, HP:0002762.

Submission:

Labcorp Genetics (formerly Invitae), Labcorp
Classification: Pathogenic for Multiple congenital exostosis. Last evaluated: 2022-12-21. Review status: criteria provided, single submitter. Criteria: Invitae Variant Classification Sherloc (09022015). Collection method: clinical testing. Allele origin: germline.
Comment: This sequence change creates a premature translational stop signal (p.Lys111*) in the EXT1 gene. It is expected to result in an absent or disrupted protein product. Loss-of-function variants in EXT1 are known to be pathogenic (PMID: 10679937, 11391482, 19810120). This variant is not present in population databases (gnomAD no frequency). This premature translational stop signal has been observed in individual(s) with EXT1-related conditions (PMID: 10480354). For these reasons, this variant has been classified as Pathogenic.

Literature cited by the submitters: PubMed 10679937; PubMed 11391482; PubMed 19810120; PubMed 10480354.

NM_000127.3(EXT1):c.331A>T (p.Lys111Ter)

Gene: EXT1 (exostosin glycosyltransferase 1; minus strand). Cytogenetic location: 8q24.11.
Variant type: single nucleotide variant.
Coding change: c.331A>T on transcript NM_000127.3 (MANE Select); coding-DNA position 331, A replaced by T.
Protein change: p.Lys111Ter; replaces lysine 111 with a stop codon.
Molecular consequence: nonsense.
Genome position (GRCh38, 1-based): chr8:118,110,716, T>A on the plus strand (A>T on the coding strand, the complement: EXT1 is on the minus strand). VCF-style: chr8-118110716-T-A. GRCh37 (hg19) VCF-style: chr8-119122955-T-A.
Other names: short protein forms K111*.
Identifiers: ClinVar variation 2735210 (VCV002735210.3), dbSNP rs2488052589, ClinGen allele CA371916086.